The following is an entry in ClinVar:

ClinVar aggregate classification (germline): Benign. Review status: criteria provided, multiple submitters, no conflicts (2 of 4 stars). 2 submissions from 2 submitters: Benign (2). Last evaluated 2018-06-14.

Allele frequency attached by ClinVar (database versions not stated): 1000 Genomes Project 0.31609; 1000 Genomes Project 30x 0.31902; gnomAD exomes 0.32748; gnomAD 0.35005; TOPMed 0.35400.
gnomAD v4.1: 375,098 of 1,128,388 alleles (33%); highest among the groups gnomAD compares: African/African-American, 36%; 63,154 homozygotes.

Submissions (2):

GeneDx
Classification: Benign. Last evaluated: 2018-06-14. Review status: criteria provided, single submitter. Criteria: GeneDx Variant Classification (06012015). Collection method: clinical testing. Allele origin: germline. Affected: yes.
Comment: This variant is considered likely benign or benign based on one or more of the following criteria: it is a conservative change, it occurs at a poorly conserved position in the protein, it is predicted to be benign by multiple in silico algorithms, and/or has population frequency not consistent with disease.

Breakthrough Genomics
Classification: Benign. Review status: criteria provided, single submitter. Criteria: ACMG Guidelines, 2015. Collection method: not provided. Allele origin: germline. Inheritance: Autosomal dominant inheritance. Affected: yes.

NM_174934.4(SCN4B):c.593+117G>A

Gene: SCN4B (sodium voltage-gated channel beta subunit 4; minus strand). Cytogenetic location: 11q23.3.
Variant type: single nucleotide variant.
Coding change: c.593+117G>A on transcript NM_174934.4 (MANE Select); 117 bases into the intron after coding-DNA position 593, G replaced by A.
Molecular consequence: intron variant.
Genome position (GRCh38, 1-based): chr11:118,141,090, C>T on the plus strand (G>A on the coding strand, the complement: SCN4B is on the minus strand). VCF-style: chr11-118141090-C-T. GRCh37 (hg19) VCF-style: chr11-118011805-C-T.
Other names: c.191+117G>A (NM_001142348.2); c.263+117G>A (NM_001142349.2).
Identifiers: ClinVar variation 671915 (VCV000671915.2), dbSNP rs644287, ClinGen allele CA13514345.